The following is an entry in ClinVar:

NM_000465.4(BARD1):c.1545C>T (p.Ser515=)

Gene: BARD1 (BRCA1 associated RING domain 1; minus strand). Cytogenetic location: 2q35.
Variant type: single nucleotide variant.
Coding change: c.1545C>T on transcript NM_000465.4 (MANE Select); coding-DNA position 1545, C replaced by T.
Protein change: p.Ser515=; no amino-acid change (serine 515 retained).
Molecular consequence: synonymous variant. On other transcripts: non-coding transcript variant (3), intron variant (3).
Genome position (GRCh38, 1-based): chr2:214,767,505, G>A on the plus strand (C>T on the coding strand, the complement: BARD1 is on the minus strand). VCF-style: chr2-214767505-G-A. GRCh37 (hg19) VCF-style: chr2-215632229-G-A.
Other names: c.1488C>T, p.Ser496= (NM_001282543.2); c.159-14950C>T (NM_001282548.2); c.216-14950C>T (NM_001282545.2); c.364+24792C>T (NM_001282549.2).
Identifiers: ClinVar variation 237821 (VCV000237821.19), dbSNP rs777715537, ClinGen allele CA2090242.

ClinVar aggregate classification (germline): Benign/Likely benign. Review status: criteria provided, multiple submitters, no conflicts (2 of 4 stars). 4 submissions from 4 submitters: Benign (1); Likely benign (3). Last evaluated 2025-08-03.

Conditions:
Hereditary cancer-predisposing syndrome. Also called: Neoplastic Syndromes, Hereditary; Hereditary neoplastic syndrome; Tumor predisposition; Hereditary Cancer Syndrome. Identifiers: Orphanet 140162, MedGen C0027672, MeSH D009386, MONDO:0015356.
Familial cancer of breast. Also called: BREAST CANCER, FAMILIAL; hereditary breast carcinoma; Hereditary breast cancer. Identifiers: Orphanet 227535, MedGen C0346153, MONDO:0016419, OMIM 114480. Disease mechanism: loss of function.

Allele frequency attached by ClinVar (database versions not stated): gnomAD exomes below 0.00001; ExAC 0.00001.
gnomAD v4.1: 2 of 1,613,828 alleles (0.00012%); highest among the groups gnomAD compares: South Asian, 0.0011%; no homozygotes.

Submissions (4):

Labcorp Genetics (formerly Invitae), Labcorp
Classification: Likely benign for Familial cancer of breast. Last evaluated: 2025-08-03. Review status: criteria provided, single submitter. Criteria: Invitae Variant Classification Sherloc (09022015). Collection method: clinical testing. Allele origin: germline.

Myriad Genetics, Inc.
Classification: Benign for Familial cancer of breast. Last evaluated: 2024-07-25. Review status: criteria provided, single submitter. Criteria: Myriad Autosomal Dominant, Autosomal Recessive and X-Linked Classification Criteria (2023). Collection method: clinical testing. Allele origin: unknown.
Comment: This variant is considered benign. This variant is a silent/synonymous amino acid change and it is not expected to impact splicing.

Ambry Genetics
Classification: Likely benign for Hereditary cancer-predisposing syndrome. Last evaluated: 2019-05-17. Review status: criteria provided, single submitter. Criteria: Ambry Variant Classification Scheme 2023. Collection method: clinical testing. Allele origin: germline.

Color Diagnostics, LLC DBA Color Health
Classification: Likely benign for Hereditary cancer-predisposing syndrome. Last evaluated: 2015-04-23. Review status: criteria provided, single submitter. Criteria: ACMG Guidelines, 2015. Collection method: clinical testing. Allele origin: germline.